The following is an entry in ClinVar:

NM_001142800.2(EYS):c.801T>C (p.His267=)

Gene: EYS (EGF-like photoreceptor maintenance factor; minus strand). Cytogenetic location: 6q12.
Variant type: single nucleotide variant.
Coding change: c.801T>C on transcript NM_001142800.2 (MANE Select); coding-DNA position 801, T replaced by C.
Protein change: p.His267=; no amino-acid change (histidine 267 retained).
Molecular consequence: synonymous variant.
Genome position (GRCh38, 1-based): chr6:65,490,655, A>G on the plus strand (T>C on the coding strand, the complement: EYS is on the minus strand). VCF-style: chr6-65490655-A-G. GRCh37 (hg19) VCF-style: chr6-66200548-A-G.
Other names: c.801T>C (NM_001142800.1); c.801T>C, p.His267= (NM_001142801.2, NM_001292009.2, NM_198283.2).
Identifiers: ClinVar variation 1111501 (VCV001111501.11), dbSNP rs147376346, ClinGen allele CA3877983.

ClinVar aggregate classification (germline): Likely benign. Review status: criteria provided, multiple submitters, no conflicts (2 of 4 stars). 3 submissions from 3 submitters: Likely benign (3). Last evaluated 2025-10-29.

Conditions:
EYS-related disorder. Also called: EYS-related condition.

Allele frequency attached by ClinVar (database versions not stated): gnomAD exomes 0.00001 and 0.00002; ExAC 0.00004; gnomAD 0.00019 and 0.00020; TOPMed 0.00021; ESP Exome Variant Server 0.00038.
gnomAD v4.1: 35 of 1,612,896 alleles (0.0022%); highest among the groups gnomAD compares: African/African-American, 0.047%; no homozygotes.

Submissions (3):

PreventionGenetics, part of Exact Sciences
Classification: Likely benign for EYS-related condition. Last evaluated: 2025-10-29. Review status: criteria provided, single submitter. Criteria: ACMG Guidelines, 2015. Collection method: clinical testing. Allele origin: germline.
Comment: This variant is classified as likely benign based on ACMG/AMP sequence variant interpretation guidelines (Richards et al. 2015 PMID: 25741868, with internal and published modifications).

Labcorp Genetics (formerly Invitae), Labcorp
Classification: Likely benign. Last evaluated: 2024-02-17. Review status: criteria provided, single submitter. Criteria: Invitae Variant Classification Sherloc (09022015). Collection method: clinical testing. Allele origin: germline.

Blueprint Genetics
Classification: Likely benign. Last evaluated: 2024-02-16. Review status: criteria provided, single submitter. Criteria: ACMG Guidelines, 2015. Collection method: clinical testing. Allele origin: germline.